The following is an entry in ClinVar:

NM_004060.4(CCNG1):c.213_214del (p.Glu71fs)

Gene: CCNG1 (cyclin G1; plus strand). Cytogenetic location: 5q34.
Variant type: Microsatellite.
Coding change: c.213_214del on transcript NM_004060.4 (MANE Select); coding-DNA positions 213 to 214, 2 bases deleted (GA; older notation c.213_214delGA).
Protein change: p.Glu71fs; shifts the reading frame from glutamic acid 71.
Molecular consequence: frameshift variant. On other transcripts: non-coding transcript variant (4), intron variant (3).
Genome position (GRCh38, 1-based): chr5:163,439,469-163,439,470, GA deleted; deleting any 2 consecutive bases within chr5:163,439,466-163,439,470 gives the same sequence; the c. name uses the placement nearest the transcript's 3' end. VCF-style (leftmost placement, unchanged base first): chr5-163439465-CAG-C. GRCh37 (hg19) VCF-style: chr5-162866471-CAG-C.
Other names: c.213_214del, p.Glu71fs (NM_001364015.1, NM_001364018.1, NM_001364019.1 and 2 more transcripts); c.90+123_90+124del (NM_001364021.1); c.-138-1609_-138-1608del (NM_001364022.1, NM_001364023.1); short protein forms E71fs.
Identifiers: ClinVar variation 4990650 (VCV004990650.1).

ClinVar aggregate classification (germline): Uncertain significance (1 of 4 stars; one submission).

Conditions:
CCNG1-related condition.

Submission:

PreventionGenetics, part of Exact Sciences
Classification: Uncertain significance for CCNG1-related condition. Last evaluated: 2026-01-12. Review status: criteria provided, single submitter. Criteria: ACMG Guidelines, 2015. Collection method: clinical testing. Allele origin: germline.
Comment: The CCNG1 c.213_214delGA variant is predicted to result in a frameshift and premature protein termination (p.Glu71Aspfs*15). To our knowledge, this variant has not been reported in the literature or in a large population database (gnomAD), indicating this variant is rare. At this time, the clinical significance of this variant is uncertain due to the absence of conclusive functional and genetic evidence.